The following is an entry in ClinVar:

NM_016156.6(MTMR2):c.223G>C (p.Glu75Gln)

Gene: MTMR2 (myotubularin related protein 2; minus strand). Cytogenetic location: 11q21.
Variant type: single nucleotide variant.
Coding change: c.223G>C on transcript NM_016156.6 (MANE Select); coding-DNA position 223, G replaced by C.
Protein change: p.Glu75Gln; replaces glutamic acid 75 with glutamine.
Molecular consequence: missense variant.
Genome position (GRCh38, 1-based): chr11:95,865,640, C>G on the plus strand (G>C on the coding strand, the complement: MTMR2 is on the minus strand). VCF-style: chr11-95865640-C-G. GRCh37 (hg19) VCF-style: chr11-95598804-C-G.
Other names: c.223G>C (NM_016156.5); c.7G>C, p.Glu3Gln (NM_001243571.2, NM_201278.3, NM_201281.3); short protein forms E3Q, E75Q.
Identifiers: ClinVar variation 1363845 (VCV001363845.7), dbSNP rs1237939737, ClinGen allele CA382430573.

ClinVar aggregate classification (germline): Uncertain significance. Review status: criteria provided, multiple submitters, no conflicts (2 of 4 stars). 2 submissions from 2 submitters: Uncertain significance (2). Last evaluated 2025-01-18.

Conditions:
Inborn genetic diseases. Identifiers: MedGen C0950123, MeSH D030342.
Charcot-Marie-Tooth disease type 4. Also called: Charcot-Marie-Tooth, Type 4; Charcot-Marie-Tooth disease, type IV. Identifiers: Orphanet 64749, MedGen C4082197, MONDO:0018995.

Allele frequency attached by ClinVar (database versions not stated): gnomAD exomes below 0.00001.
gnomAD v4.1: 2 of 1,613,894 alleles (0.00012%); highest among the groups gnomAD compares: Non-Finnish European, 0.00017%; no homozygotes.

Submissions (2):

Ambry Genetics
Classification: Uncertain significance for Inborn genetic diseases. Last evaluated: 2025-01-18. Review status: criteria provided, single submitter. Criteria: Ambry Variant Classification Scheme 2023. Collection method: clinical testing. Allele origin: germline.

Labcorp Genetics (formerly Invitae), Labcorp
Classification: Uncertain significance for Charcot-Marie-Tooth disease type 4. Last evaluated: 2022-10-05. Review status: criteria provided, single submitter. Criteria: Invitae Variant Classification Sherloc (09022015). Collection method: clinical testing. Allele origin: germline.
Comment: In summary, the available evidence is currently insufficient to determine the role of this variant in disease. Therefore, it has been classified as a Variant of Uncertain Significance. Algorithms developed to predict the effect of missense changes on protein structure and function (SIFT, PolyPhen-2, Align-GVGD) all suggest that this variant is likely to be tolerated. ClinVar contains an entry for this variant (Variation ID: 1363845). This variant has not been reported in the literature in individuals affected with MTMR2-related conditions. This variant is present in population databases (no rsID available, gnomAD 0.0009%). This sequence change replaces glutamic acid, which is acidic and polar, with glutamine, which is neutral and polar, at codon 75 of the MTMR2 protein (p.Glu75Gln).